The following is an entry in ClinVar:

ClinVar aggregate classification (germline): Conflicting classifications of pathogenicity. Review status: criteria provided, conflicting classifications (1 of 4 stars). 4 submissions from 4 submitters: Uncertain significance (1); Benign (2); Likely benign (1). Last evaluated 2025-07-28.

Conditions:
Myoclonic epilepsy, juvenile, susceptibility to, 1. Also called: Myoclonic Epilepsy, Juvenile, 1; EJM1. Identifiers: MedGen C1850778, MONDO:0020752, OMIM 254770.
Absence seizure. Also called: Absence epilepsy. Identifiers: Orphanet 1941, MedGen C0014553.

Allele frequency attached by ClinVar (database versions not stated): TOPMed 0.00016; gnomAD 0.00019 and 0.00021; ESP Exome Variant Server 0.00031.
gnomAD v4.1: 256 of 1,614,028 alleles (0.016%); highest among the groups gnomAD compares: Non-Finnish European, 0.02%; no homozygotes.

Submissions (4):

Labcorp Genetics (formerly Invitae), Labcorp
Classification: Benign for Myoclonic epilepsy, juvenile, susceptibility to, 1; Absence seizure. Last evaluated: 2025-07-28. Review status: criteria provided, single submitter. Criteria: Invitae Variant Classification Sherloc (09022015). Collection method: clinical testing. Allele origin: germline.

Blueprint Genetics
Classification: Likely benign. Last evaluated: 2024-10-28. Review status: criteria provided, single submitter. Criteria: ACMG Guidelines, 2015. Collection method: clinical testing. Allele origin: germline.

CeGaT Center for Human Genetics Tuebingen
Classification: Uncertain significance. Last evaluated: 2016-07-01. Review status: criteria provided, single submitter. Criteria: CeGaT Center For Human Genetics Tuebingen Variant Classification Criteria Version 2. Collection method: clinical testing. Allele origin: germline. Affected: yes. Observed: 1 variant allele.

GeneDx
Classification: Benign. Last evaluated: 2014-05-13. Review status: criteria provided, single submitter. Criteria: GeneDx Variant Classification (06012015). Collection method: clinical testing. Allele origin: germline. Affected: yes.
Comment: This variant is considered likely benign or benign based on one or more of the following criteria: it is a conservative change, it occurs at a poorly conserved position in the protein, it is predicted to be benign by multiple in silico algorithms, and/or has population frequency not consistent with disease.

NM_018100.4(EFHC1):c.1587G>A (p.Ala529=)

Gene: EFHC1 (EF-hand domain containing 1; plus strand). Cytogenetic location: 6p12.2.
Variant type: single nucleotide variant.
Coding change: c.1587G>A on transcript NM_018100.4 (MANE Select); coding-DNA position 1587, G replaced by A.
Protein change: p.Ala529=; no amino-acid change (alanine 529 retained).
Molecular consequence: synonymous variant. On other transcripts: non-coding transcript variant (1).
Genome position (GRCh38, 1-based): chr6:52,479,734, G>A. VCF-style: chr6-52479734-G-A. GRCh37 (hg19) VCF-style: chr6-52344532-G-A.
Other names: p.A529A:GCG>GCA; c.1530G>A, p.Ala510= (NM_001172420.2).
Identifiers: ClinVar variation 137196 (VCV000137196.57), dbSNP rs377227885, ClinGen allele CA290715.
Genomic context (GRCh38, chr6:52,479,734, plus strand): 5'-CGAGTATGTTTTGAAATACATGGAGAGCAACGCTGCCCAGTATTCACCAGAAGCACTCGC[G>A]TCAATTCAGAACCATGTCCGAAAGCGAGAAGCGCCTGCTCCAGAAGCAGAAAGGTGTGTG-3'
Protein context (NP_060570.2, residues 519-539): NAAQYSPEAL[Ala529=]SIQNHVRKRE